The following is an entry in ClinVar:

NM_006031.6(PCNT):c.6890C>T (p.Ala2297Val)

Gene: PCNT (pericentrin; plus strand). Cytogenetic location: 21q22.3.
Variant type: single nucleotide variant.
Coding change: c.6890C>T on transcript NM_006031.6 (MANE Select); coding-DNA position 6890, C replaced by T.
Protein change: p.Ala2297Val; replaces alanine 2297 with valine.
Molecular consequence: missense variant.
Genome position (GRCh38, 1-based): chr21:46,416,808, C>T. VCF-style: chr21-46416808-C-T. GRCh37 (hg19) VCF-style: chr21-47836722-C-T.
Other names: c.6536C>T, p.Ala2179Val (NM_001315529.2); short protein forms A2179V, A2297V.
Identifiers: ClinVar variation 2107503 (VCV002107503.4), dbSNP rs2518831101, ClinGen allele CA410565007.
Genomic context (GRCh38, chr21:46,416,808, plus strand): 5'-TTTGTTCCCCAGGCGTGTCTGCAGCAGCGCTGGCACTGCAGTGGGCCGAGTCTCCGCCGG[C>T]TGACGACCACCATGTGCAGAGGACGGCTGTGGTAGGTGCCTGCTCTGCTCCCAGGCCTGC-3'
Protein context (NP_006022.3, residues 2287-2307): LALQWAESPP[Ala2297Val]DDHHVQRTAV

ClinVar aggregate classification (germline): Uncertain significance (1 of 4 stars; one submission).

Submission:

Labcorp Genetics (formerly Invitae), Labcorp
Classification: Uncertain significance. Last evaluated: 2022-03-07. Review status: criteria provided, single submitter. Criteria: Invitae Variant Classification Sherloc (09022015). Collection method: clinical testing. Allele origin: germline.
Comment: In summary, the available evidence is currently insufficient to determine the role of this variant in disease. Therefore, it has been classified as a Variant of Uncertain Significance. Algorithms developed to predict the effect of missense changes on protein structure and function are either unavailable or do not agree on the potential impact of this missense change (SIFT: "Tolerated"; PolyPhen-2: "Possibly Damaging"; Align-GVGD: "Class C0"). This variant has not been reported in the literature in individuals affected with PCNT-related conditions. This variant is not present in population databases (gnomAD no frequency). This sequence change replaces alanine, which is neutral and non-polar, with valine, which is neutral and non-polar, at codon 2297 of the PCNT protein (p.Ala2297Val).